The following is an entry in ClinVar:

ClinVar aggregate classification (germline): Uncertain significance (1 of 4 stars; one submission).

Allele frequency attached by ClinVar (database versions not stated): ExAC 0.00001.
gnomAD v4.1: 3 of 1,613,918 alleles (0.00019%); highest among the groups gnomAD compares: South Asian, 0.0022%; no homozygotes.

Submission:

Ambry Genetics
Classification: Uncertain significance. Last evaluated: 2024-05-25. Review status: criteria provided, single submitter. Criteria: Ambry Variant Classification Scheme 2023. Collection method: clinical testing. Allele origin: germline.
Comment: The p.T732I variant (also known as c.2195C>T), located in coding exon 18 of the RAD54L gene, results from a C to T substitution at nucleotide position 2195. The threonine at codon 732 is replaced by isoleucine, an amino acid with similar properties. This amino acid position is conserved. In addition, the in silico prediction for this alteration is inconclusive. Since supporting evidence is limited at this time, the clinical significance of this alteration remains unclear.

NM_003579.4(RAD54L):c.2195C>T (p.Thr732Ile)

Genes: LRRC41 (leucine rich repeat containing 41; minus strand), RAD54L (RAD54 like; plus strand). Cytogenetic location: 1p34.1.
Variant type: single nucleotide variant.
Coding change: c.2195C>T on transcript NM_003579.4 (MANE Select); coding-DNA position 2195, C replaced by T.
Protein change: p.Thr732Ile; replaces threonine 732 with isoleucine.
Molecular consequence: missense variant. On other transcripts: 3 prime UTR variant (1).
Genome position (GRCh38, 1-based): chr1:46,278,233, C>T. VCF-style: chr1-46278233-C-T. GRCh37 (hg19) VCF-style: chr1-46743905-C-T.
Other names: c.*632G>A (NM_006369.5); c.2195C>T, p.Thr732Ile (NM_001142548.2); c.1655C>T, p.Thr552Ile (NM_001370766.1); short protein forms T732I, T552I.
Identifiers: ClinVar variation 1787473 (VCV001787473.3), dbSNP rs766417899, ClinGen allele CA834836.